The following is an entry in ClinVar:

ClinVar aggregate classification (germline): Pathogenic. Review status: criteria provided, multiple submitters, no conflicts (2 of 4 stars). 2 submissions from 2 submitters: Pathogenic (2). Last evaluated 2011-08-12.

Submissions (2):

ISCA site 14
Classification: Pathogenic. Last evaluated: 2011-08-12. Review status: criteria provided, single submitter. Criteria: Kaminsky et al. (Genet Med. 2011). Collection method: clinical testing. Allele origin: paternal. Affected: yes. Observed: 1 variant allele.
Comment: Copy number variation identified through the course of routine clinical cytogenomic testing in postnatal populations. Clinical assertions have been curated as described in Kaminsky et al. 2011.

ISCA site 17
Classification: Pathogenic. Last evaluated: 2011-08-12. Review status: criteria provided, single submitter. Criteria: Kaminsky et al. (Genet Med. 2011). Collection method: clinical testing. Allele origin: unknown. Affected: yes. Observed: 1 variant allele.
Comment: the same text as in the submission from ISCA site 14 above.

GRCh38/hg38 16p13.11(chr16:15457445-16100721)x1

Genes: MARF1 (meiosis regulator and mRNA stability factor 1; minus strand), MIR484 (microRNA 484; plus strand), MIR6506 (microRNA 6506; minus strand), MPV17L-BMERB1 (MPV17L-BMERB1 readthrough; plus strand), MYH11 (myosin heavy chain 11; minus strand) and 17 more. Cytogenetic location: 16p13.11.
Variant type: copy number loss.
Change: copy number 1 (one copy instead of two) of chr16:15,457,445-16,100,721 (643.3 kb, GRCh38 coordinates, 1-based), cytogenetic band 16p13.11.
Identifiers: ClinVar variation 160931 (VCV000160931.1).